The following is an entry in ClinVar:

ClinVar aggregate classification (germline): Benign (1 of 4 stars; one submission).

Conditions:
Von Hippel-Lindau syndrome (VHLS). Also called: Von Hippel-Lindau; von Hippel–Lindau syndrome; VHL syndrome. Identifiers: Orphanet 892, MedGen C0019562, MONDO:0008667, OMIM 193300. Disease mechanism: loss of function.

Allele frequency attached by ClinVar (database versions not stated): gnomAD 0.00002 and 0.00008; TOPMed 0.00004; gnomAD exomes 0.00014; 1000 Genomes Project 30x 0.00078; 1000 Genomes Project 0.00080.
gnomAD v4.1: 22 of 221,782 alleles (0.0099%); highest among the groups gnomAD compares: South Asian, 0.17%; no homozygotes.

Submission:

Illumina Laboratory Services, Illumina
Classification: Benign for Von Hippel-Lindau syndrome. Last evaluated: 2018-01-12. Review status: criteria provided, single submitter. Criteria: ICSL Variant Classification Criteria 13 December 2019. Collection method: clinical testing. Allele origin: germline.
Comment: This variant was observed in the ICSL laboratory as part of a predisposition screen in an ostensibly healthy population. It had not been previously curated by ICSL or reported in the Human Gene Mutation Database (HGMD: prior to June 1st, 2018), and was therefore a candidate for classification through an automated scoring system. Utilizing variant allele frequency, disease prevalence and penetrance estimates, and inheritance mode, an automated score was calculated to assess if this variant is too frequent to cause the disease. Based on the score and internal cut-off values, a variant classified as benign is not then subjected to further curation. The score for this variant resulted in a classification of benign for this disease.

NM_000551.4(VHL):c.*1452A>T

Genes: VHL (von Hippel-Lindau tumor suppressor; plus strand), LOC107303340 (3p25 von Hippel-Lindau tumor suppressor, E3 ubiquitin protein ligase Alu-mediated recombination region; plus strand). Cytogenetic location: 3p25.3.
Variant type: single nucleotide variant.
Coding change: c.*1452A>T on transcript NM_000551.4 (MANE Select); 1452 bases downstream of the stop codon, A replaced by T.
Molecular consequence: 3 prime UTR variant.
Genome position (GRCh38, 1-based): chr3:10,151,417, A>T. VCF-style: chr3-10151417-A-T. GRCh37 (hg19) VCF-style: chr3-10193101-A-T.
Other names: c.*1648A>T (NM_001354723.2); c.*1452A>T (NM_198156.3).
Identifiers: ClinVar variation 342436 (VCV000342436.5), dbSNP rs552760935, ClinGen allele CA10616761.